The following is an entry in ClinVar:

ClinVar aggregate classification (germline): Uncertain significance. Review status: criteria provided, multiple submitters, no conflicts (2 of 4 stars). 2 submissions from 2 submitters: Uncertain significance (2). Last evaluated 2023-05-16.

Conditions:
Inborn genetic diseases. Identifiers: MedGen C0950123, MeSH D030342.
Immunodeficiency 35 (IMD35). Also called: Susceptibility to infection due to TYK2 deficiency; TYK2 DEFICIENCY; HIES WITH ATYPICAL MYCOBACTERIOSIS, AUTOSOMAL RECESSIVE; HYPER-IgE SYNDROME WITH ATYPICAL MYCOBACTERIOSIS, AUTOSOMAL RECESSIVE. Identifiers: Orphanet 331226, MedGen C1969086, MONDO:0012682, OMIM 611521.

Allele frequency attached by ClinVar (database versions not stated): gnomAD exomes 0.00002; TOPMed 0.00002.
gnomAD v4.1: 34 of 1,611,030 alleles (0.0021%); highest among the groups gnomAD compares: Non-Finnish European, 0.0029%; no homozygotes.

Submissions (2):

Ambry Genetics
Classification: Uncertain significance for Inborn genetic diseases. Last evaluated: 2023-05-16. Review status: criteria provided, single submitter. Criteria: Ambry Variant Classification Scheme 2023. Collection method: clinical testing. Allele origin: germline.

Labcorp Genetics (formerly Invitae), Labcorp
Classification: Uncertain significance for Immunodeficiency 35. Last evaluated: 2022-09-13. Review status: criteria provided, single submitter. Criteria: Invitae Variant Classification Sherloc (09022015). Collection method: clinical testing. Allele origin: germline.
Comment: In summary, the available evidence is currently insufficient to determine the role of this variant in disease. Therefore, it has been classified as a Variant of Uncertain Significance. Algorithms developed to predict the effect of missense changes on protein structure and function output the following: SIFT: "Not Available"; PolyPhen-2: "Benign"; Align-GVGD: "Not Available". The glycine amino acid residue is found in multiple mammalian species, which suggests that this missense change does not adversely affect protein function. This variant has not been reported in the literature in individuals affected with TYK2-related conditions. This variant is not present in population databases (gnomAD no frequency). This sequence change replaces tryptophan, which is neutral and slightly polar, with glycine, which is neutral and non-polar, at codon 6 of the TYK2 protein (p.Trp6Gly).

NM_003331.5(TYK2):c.16T>G (p.Trp6Gly)

Gene: TYK2 (tyrosine kinase 2; minus strand). Cytogenetic location: 19p13.2.
Variant type: single nucleotide variant.
Coding change: c.16T>G on transcript NM_003331.5 (MANE Select); coding-DNA position 16, T replaced by G.
Protein change: p.Trp6Gly; replaces tryptophan 6 with glycine.
Molecular consequence: missense variant.
Genome position (GRCh38, 1-based): chr19:10,378,391, A>C on the plus strand (T>G on the coding strand, the complement: TYK2 is on the minus strand). VCF-style: chr19-10378391-A-C. GRCh37 (hg19) VCF-style: chr19-10489067-A-C.
Other names: c.16T>G, p.Trp6Gly (NM_001385197.1, NM_001385198.1, NM_001385199.1 and 9 more transcripts); short protein forms W6G.
Identifiers: ClinVar variation 1983574 (VCV001983574.4), dbSNP rs533026972, ClinGen allele CA404023254.